The following is an entry in ClinVar:

NM_000081.4(LYST):c.9617A>G (p.Asp3206Gly)

Gene: LYST (lysosomal trafficking regulator; minus strand). Cytogenetic location: 1q42.3.
Variant type: single nucleotide variant.
Coding change: c.9617A>G on transcript NM_000081.4 (MANE Select); coding-DNA position 9617, A replaced by G.
Protein change: p.Asp3206Gly; replaces aspartic acid 3206 with glycine.
Molecular consequence: missense variant.
Genome position (GRCh38, 1-based): chr1:235,716,722, T>C on the plus strand (A>G on the coding strand, the complement: LYST is on the minus strand). VCF-style: chr1-235716722-T-C. GRCh37 (hg19) VCF-style: chr1-235880022-T-C.
Other names: c.9617A>G, p.Asp3206Gly (NM_001301365.1); short protein forms D3206G.
Identifiers: ClinVar variation 1921514 (VCV001921514.3), dbSNP rs779459433, ClinGen allele CA1465546.
Genomic context (GRCh38, chr1:235,716,722, plus strand): 5'-ACAAAACACAATTTTTCATTTAATAAAGTACGAGTAAAAACAAAAGCTACCTTGTATGTG[T>C]CCACATAACGATCTTCTTTTTCTTTATACTGAACAGCTATAGGTTTAGAGAGATTTCTGC-3'
Protein context (NP_000072.2, residues 3196-3216): QYKEKEDRYV[Asp3206Gly]TYKYLEEEYR

ClinVar aggregate classification (germline): Uncertain significance. Review status: criteria provided, multiple submitters, no conflicts (2 of 4 stars). 2 submissions from 2 submitters: Uncertain significance (2). Last evaluated 2024-03-21.

Conditions:
Chédiak-Higashi syndrome (CHS). Also called: Chediak-Higashi Syndrome. Identifiers: Orphanet 167, MedGen C0007965, MONDO:0008963, OMIM 214500.

Allele frequency attached by ClinVar (database versions not stated): gnomAD exomes below 0.00001; ExAC 0.00001; gnomAD 0.00001; TOPMed 0.00001.
gnomAD v4.1: 7 of 1,590,498 alleles (0.00044%); highest among the groups gnomAD compares: Non-Finnish European, 0.00026%; no homozygotes.

Submissions (2):

Blueprint Genetics
Classification: Uncertain significance. Last evaluated: 2024-03-21. Review status: criteria provided, single submitter. Criteria: ACMG Guidelines, 2015. Collection method: clinical testing. Allele origin: germline.

Labcorp Genetics (formerly Invitae), Labcorp
Classification: Uncertain significance for Chédiak-Higashi syndrome. Last evaluated: 2022-07-06. Review status: criteria provided, single submitter. Criteria: Invitae Variant Classification Sherloc (09022015). Collection method: clinical testing. Allele origin: germline.
Comment: This sequence change replaces aspartic acid, which is acidic and polar, with glycine, which is neutral and non-polar, at codon 3206 of the LYST protein (p.Asp3206Gly). This variant is present in population databases (rs779459433, gnomAD 0.008%). This variant has not been reported in the literature in individuals affected with LYST-related conditions. Algorithms developed to predict the effect of missense changes on protein structure and function are either unavailable or do not agree on the potential impact of this missense change (SIFT: "Deleterious"; PolyPhen-2: "Possibly Damaging"; Align-GVGD: "Class C0"). In summary, the available evidence is currently insufficient to determine the role of this variant in disease. Therefore, it has been classified as a Variant of Uncertain Significance.